The following is an entry in ClinVar:

ClinVar aggregate classification (germline): Uncertain significance (1 of 4 stars; one submission).

Conditions:
Inborn genetic diseases. Identifiers: MedGen C0950123, MeSH D030342.

Submission:

Ambry Genetics
Classification: Uncertain significance for Inborn genetic diseases. Last evaluated: 2026-09-03. Review status: criteria provided, single submitter. Criteria: Ambry Variant Classification Scheme 2023. Collection method: clinical testing. Allele origin: germline.
Comment: The c.593T>C (p.M198T) alteration is located in exon 7 (coding exon 6) of the CYFIP2 gene. This alteration results from a T to C substitution at nucleotide position 593, causing the methionine (M) at amino acid position 198 to be replaced by a threonine (T). This variant was not reported in population-based cohorts in the Genome Aggregation Database (gnomAD). This amino acid position is highly conserved in available vertebrate species. This missense variant is located in a region that has a low rate of benign missense variation (Lek, 2016; Firth, 2009). The in silico prediction for this alteration is inconclusive. Based on insufficient or conflicting evidence, the clinical significance of this alteration remains unclear.

NM_001037333.3(CYFIP2):c.593T>C (p.Met198Thr)

Gene: CYFIP2 (cytoplasmic FMR1 interacting protein 2; plus strand). Cytogenetic location: 5q33.3.
Variant type: single nucleotide variant.
Coding change: c.593T>C on transcript NM_001037333.3 (MANE Select); coding-DNA position 593, T replaced by C.
Protein change: p.Met198Thr; replaces methionine 198 with threonine.
Molecular consequence: missense variant.
Genome position (GRCh38, 1-based): chr5:157,302,817, T>C. VCF-style: chr5-157302817-T-C. GRCh37 (hg19) VCF-style: chr5-156729825-T-C.
Other names: c.515T>C, p.Met172Thr (NM_001291721.2); c.593T>C, p.Met198Thr (NM_001291722.2, NM_014376.4); short protein forms M172T, M198T.
Identifiers: ClinVar variation 5035086 (VCV005035086.1).
Genomic context (GRCh38, chr5:157,302,817, plus strand): 5'-ACAGTCCTCTCTGCAGCACCCACTATCTGCGTTTCAGGGCAGCACAGTTCCTGCGGAAGA[T>C]GGCAGATCCCCAGTCTATCCAGGAGTCGCAGAACCTTTCCATGTTCCTGGCCAACCACAA-3'
Protein context (NP_001032410.1, residues 188-208): YKRAAQFLRK[Met198Thr]ADPQSIQESQ